The following is an entry in ClinVar:

ClinVar aggregate classification (germline): Uncertain significance (1 of 4 stars; one submission).

gnomAD v4.1: 2 of 1,613,442 alleles (0.00012%); highest among the groups gnomAD compares: Non-Finnish European, 0.00017%; no homozygotes.

Submission:

GeneDx
Classification: Uncertain significance. Last evaluated: 2024-07-26. Review status: criteria provided, single submitter. Criteria: GeneDx Variant Classification Process June 2021. Collection method: clinical testing. Allele origin: germline. Affected: yes.
Comment: Not observed at significant frequency in large population cohorts (gnomAD); In silico analysis supports that this missense variant has a deleterious effect on protein structure/function; Has not been previously published as pathogenic or benign to our knowledge

NM_020297.4(ABCC9):c.2359G>A (p.Ala787Thr)

Gene: ABCC9 (ATP binding cassette subfamily C member 9; minus strand). Cytogenetic location: 12p12.1.
Variant type: single nucleotide variant.
Coding change: c.2359G>A on transcript NM_020297.4 (MANE Select); coding-DNA position 2359, G replaced by A.
Protein change: p.Ala787Thr; replaces alanine 787 with threonine.
Molecular consequence: missense variant.
Genome position (GRCh38, 1-based): chr12:21,861,036, C>T on the plus strand (G>A on the coding strand, the complement: ABCC9 is on the minus strand). VCF-style: chr12-21861036-C-T. GRCh37 (hg19) VCF-style: chr12-22013970-C-T.
Other names: c.2359G>A, p.Ala787Thr (NM_001377273.1, NM_005691.4); c.1492G>A, p.Ala498Thr (NM_001377274.1); short protein forms A498T, A787T.
Identifiers: ClinVar variation 3600835 (VCV003600835.1).
Genomic context (GRCh38, chr12:21,861,036, plus strand): 5'-CTCCAATTTCAGTTTGATCTCCAAATGGTAATAAGTCAATATCTGGCTGAAGAGAACAGG[C>T]ATCTGTGACAGCTTTGTACCTTTGGGAGAAATGATTTTGAATTTTTAGATCTCAATTAAT-3'
Protein context (NP_064693.2, residues 777-797): NKQRYKAVTD[Ala787Thr]CSLQPDIDLL